The following is an entry in ClinVar:

ClinVar aggregate classification (germline): Likely pathogenic (1 of 4 stars; one submission).

Conditions:
Noonan syndrome 4 (NS4). Also called: SOS1-Related Noonan Syndrome; NOONAN SYNDROME WITH PIGMENTED VILLONODULAR SYNOVITIS. Identifiers: Orphanet 648, MedGen C1853120, MONDO:0012547, OMIM 610733.

Submission:

Institute of Human Genetics, University of Leipzig Medical Center
Classification: Likely pathogenic for Noonan syndrome 4. Last evaluated: 2023-05-30. Review status: criteria provided, single submitter. Criteria: ACMG Guidelines, 2015. Collection method: clinical testing. Allele origin: unknown. Inheritance: Autosomal dominant inheritance. Affected: yes.
Comment: Criteria applied: PS4,PM2_SUP,PP3

NM_005633.4(SOS1):c.697A>T (p.Asn233Tyr)

Gene: SOS1 (SOS Ras/Rac guanine nucleotide exchange factor 1; minus strand). Cytogenetic location: 2p22.1.
Variant type: single nucleotide variant.
Coding change: c.697A>T on transcript NM_005633.4 (MANE Select); coding-DNA position 697, A replaced by T.
Protein change: p.Asn233Tyr; replaces asparagine 233 with tyrosine.
Molecular consequence: missense variant.
Genome position (GRCh38, 1-based): chr2:39,054,637, T>A on the plus strand (A>T on the coding strand, the complement: SOS1 is on the minus strand). VCF-style: chr2-39054637-T-A. GRCh37 (hg19) VCF-style: chr2-39281778-T-A.
Other names: c.676A>T, p.Asn226Tyr (NM_001382394.1); c.697A>T, p.Asn233Tyr (NM_001382395.1); short protein forms N233Y, N226Y.
Identifiers: ClinVar variation 376542 (VCV000376542.3), dbSNP rs1057519963, ClinGen allele CA16602968.